The following is an entry in ClinVar:

NM_000168.6(GLI3):c.4681del (p.Asp1561fs)

Gene: GLI3 (GLI family zinc finger 3; minus strand). Cytogenetic location: 7p14.1.
Variant type: Deletion.
Coding change: c.4681del on transcript NM_000168.6 (MANE Select); coding-DNA position 4681, one base deleted (G; older notation c.4681delG).
Protein change: p.Asp1561fs; shifts the reading frame from aspartic acid 1561.
Molecular consequence: frameshift variant.
Genome position (GRCh38, 1-based): chr7:41,964,392, C deleted on the plus strand (G on the coding strand, the reverse complement: GLI3 is on the minus strand); the first of 4 consecutive C bases (chr7:41,964,392-41,964,395); deleting any one gives the same sequence. VCF-style (leftmost placement, unchanged base first): chr7-41964391-TC-T. GRCh37 (hg19) VCF-style: chr7-42003989-TC-T.
Other names: short protein forms D1561fs.
Identifiers: ClinVar variation 4851735 (VCV004851735.1).

ClinVar aggregate classification (germline): Uncertain significance (1 of 4 stars; one submission).

Submission:

Greenwood Genetic Center Diagnostic Laboratories, Greenwood Genetic Center
Classification: Uncertain significance. Last evaluated: 2025-01-14. Review status: criteria provided, single submitter. Criteria: ACMG Guidelines, 2015. Collection method: clinical testing. Allele origin: germline.
Comment: PM2